The following is an entry in ClinVar:

ClinVar aggregate classification (germline): Uncertain significance. Review status: criteria provided, multiple submitters, no conflicts (2 of 4 stars). 2 submissions from 2 submitters: Uncertain significance (2). Last evaluated 2021-09-17.

gnomAD v4.1: 4 of 1,610,568 alleles (0.00025%); highest among the groups gnomAD compares: Middle Eastern, 0.017%; no homozygotes.

Submissions (2):

Labcorp Genetics (formerly Invitae), Labcorp
Classification: Uncertain significance. Last evaluated: 2021-09-17. Review status: criteria provided, single submitter. Criteria: Invitae Variant Classification Sherloc (09022015). Collection method: clinical testing. Allele origin: germline.
Comment: This sequence change replaces aspartic acid with glutamic acid at codon 968 of the PCDH15 protein (p.Asp968Glu). The aspartic acid residue is highly conserved and there is a small physicochemical difference between aspartic acid and glutamic acid. This variant is not present in population databases (ExAC no frequency). This variant has not been reported in the literature in individuals with PCDH15-related conditions. Algorithms developed to predict the effect of missense changes on protein structure and function output the following: SIFT: "Tolerated"; PolyPhen-2: "Benign"; Align-GVGD: "Class C0". The glutamic acid amino acid residue is found in multiple mammalian species, suggesting that this missense change does not adversely affect protein function. These predictions have not been confirmed by published functional studies and their clinical significance is uncertain. In summary, the available evidence is currently insufficient to determine the role of this variant in disease. Therefore, it has been classified as a Variant of Uncertain Significance.

Blueprint Genetics
Classification: Uncertain significance. Last evaluated: 2020-10-07. Review status: criteria provided, single submitter. Criteria: ACMG Guidelines, 2015. Collection method: clinical testing. Allele origin: germline.

NM_001384140.1(PCDH15):c.2904T>A (p.Asp968Glu)

Gene: PCDH15 (protocadherin related 15; minus strand). Cytogenetic location: 10q21.1.
Variant type: single nucleotide variant.
Coding change: c.2904T>A on transcript NM_001384140.1 (MANE Select); coding-DNA position 2904, T replaced by A.
Protein change: p.Asp968Glu; replaces aspartic acid 968 with glutamic acid.
Molecular consequence: missense variant.
Genome position (GRCh38, 1-based): chr10:53,961,857, A>T on the plus strand (T>A on the coding strand, the complement: PCDH15 is on the minus strand). VCF-style: chr10-53961857-A-T. GRCh37 (hg19) VCF-style: chr10-55721617-A-T.
Other names: c.2919T>A, p.Asp973Glu (NM_001142763.2, NM_001142771.2); c.2904T>A, p.Asp968Glu (NM_001142764.2, NM_001142766.2, NM_001142770.3 and 4 more transcripts); c.2691T>A, p.Asp897Glu (NM_001142765.2); c.2793T>A, p.Asp931Glu (NM_001142767.2); c.2838T>A, p.Asp946Glu (NM_001142768.2, NM_001142773.2, NM_001354404.2); c.2940T>A, p.Asp980Glu (NM_001142769.4); c.2925T>A, p.Asp975Glu (NM_001354411.2); short protein forms D946E, D980E, D897E, D973E, D931E, D968E, D975E.
Identifiers: ClinVar variation 1481093 (VCV001481093.6), dbSNP rs2134302359, ClinGen allele CA376521854.
Genomic context (GRCh38, chr10:53,961,857, plus strand): 5'-TACTCTTCCAGAATCTTCTTCCACTTCAAAAATACTGGCAGGGTAAGGAAACTGTACATC[A>T]TCTACTCTATACCTCACACGACTTGCAGGTAATCCCTAAAATAAAATTATTAATTATTAA-3'
Protein context (NP_001371069.1, residues 958-978): LPASRVRYRV[Asp968Glu]DVQFPYPASI